The following is an entry in ClinVar:

ClinVar aggregate classification (germline): Uncertain significance (1 of 4 stars; one submission).

Conditions:
Congenital sensory neuropathy with selective loss of small myelinated fibers (HSAN5). Also called: HSAN Type V. Identifiers: Orphanet 64752, MedGen C0020075, MONDO:0012092, OMIM 608654.

Submission:

Labcorp Genetics (formerly Invitae), Labcorp
Classification: Uncertain significance for Congenital sensory neuropathy with selective loss of small myelinated fibers. Last evaluated: 2018-12-17. Review status: criteria provided, single submitter. Criteria: Invitae Variant Classification Sherloc (09022015). Collection method: clinical testing. Allele origin: germline.
Comment: In summary, the available evidence is currently insufficient to determine the role of this variant in disease. Therefore, it has been classified as a Variant of Uncertain Significance. Algorithms developed to predict the effect of missense changes on protein structure and function are either unavailable or do not agree on the potential impact of this missense change (SIFT: "Deleterious"; PolyPhen-2: "Possibly Damaging"; Align-GVGD: "Class C15"). This variant has not been reported in the literature in individuals with NGF-related conditions. This variant is not present in population databases (ExAC no frequency). This sequence change replaces leucine with arginine at codon 13 of the NGF protein (p.Leu13Arg). The leucine residue is highly conserved and there is a moderate physicochemical difference between leucine and arginine.

NM_002506.3(NGF):c.38T>G (p.Leu13Arg)

Genes: NGF (nerve growth factor; minus strand), NGF-AS1 (NGF antisense RNA 1; plus strand). Cytogenetic location: 1p13.2.
Variant type: single nucleotide variant.
Coding change: c.38T>G on transcript NM_002506.3 (MANE Select); coding-DNA position 38, T replaced by G.
Protein change: p.Leu13Arg; replaces leucine 13 with arginine.
Molecular consequence: missense variant.
Genome position (GRCh38, 1-based): chr1:115,286,758, A>C on the plus strand (T>G on the coding strand, the complement: NGF is on the minus strand). VCF-style: chr1-115286758-A-C. GRCh37 (hg19) VCF-style: chr1-115829379-A-C.
Other names: short protein forms L13R.
Identifiers: ClinVar variation 648062 (VCV000648062.8), dbSNP rs1571070221, ClinGen allele CA341837368.